The following is an entry in ClinVar:

NM_006393.3(NEBL):c.1597G>A (p.Gly533Arg)

Gene: NEBL (nebulette; minus strand). Cytogenetic location: 10p12.31.
Variant type: single nucleotide variant.
Coding change: c.1597G>A on transcript NM_006393.3 (MANE Select); coding-DNA position 1597, G replaced by A.
Protein change: p.Gly533Arg; replaces glycine 533 with arginine.
Molecular consequence: missense variant. On other transcripts: intron variant (9).
Genome position (GRCh38, 1-based): chr10:20,831,270, C>T on the plus strand (G>A on the coding strand, the complement: NEBL is on the minus strand). VCF-style: chr10-20831270-C-T. GRCh37 (hg19) VCF-style: chr10-21120199-C-T.
Other names: c.250-18330G>A (NM_001377326.1, NM_001377327.1, NM_001377328.1); c.358-18330G>A (NM_213569.2, NM_001173484.2, NM_001377322.1); c.301-18330G>A (NM_001377324.1); c.292-18330G>A (NM_001377325.1); c.310-18330G>A (NM_001377323.1); short protein forms G533R.
Identifiers: ClinVar variation 648837 (VCV000648837.9), dbSNP rs541364544, ClinGen allele CA5432807.

ClinVar aggregate classification (germline): Uncertain significance. Review status: criteria provided, multiple submitters, no conflicts (2 of 4 stars). 2 submissions from 2 submitters: Uncertain significance (2). Last evaluated 2025-05-19.

Conditions:
Primary dilated cardiomyopathy (DCM). Also called: Dilated Cardiomyopathy. Identifiers: Orphanet 217604, MedGen C0007193, MeSH D002311, MONDO:0005021, HP:0001644. Inheritance: Various modes of inheritance.

Allele frequency attached by ClinVar (database versions not stated): gnomAD below 0.00001 and 0.00001; TOPMed below 0.00001; gnomAD exomes 0.00003 and 0.00007; ExAC 0.00007; 1000 Genomes Project 30x 0.00016; 1000 Genomes Project 0.00020.
gnomAD v4.1: 46 of 1,613,172 alleles (0.0029%); highest among the groups gnomAD compares: South Asian, 0.047%; no homozygotes.

Submissions (2):

Ambry Genetics
Classification: Uncertain significance. Last evaluated: 2025-05-19. Review status: criteria provided, single submitter. Criteria: Ambry Variant Classification Scheme 2023. Collection method: clinical testing. Allele origin: germline.

Labcorp Genetics (formerly Invitae), Labcorp
Classification: Uncertain significance for Primary dilated cardiomyopathy. Last evaluated: 2022-07-26. Review status: criteria provided, single submitter. Criteria: Invitae Variant Classification Sherloc (09022015). Collection method: clinical testing. Allele origin: germline.
Comment: This variant is present in population databases (rs541364544, gnomAD 0.06%), and has an allele count higher than expected for a pathogenic variant. In summary, the available evidence is currently insufficient to determine the role of this variant in disease. Therefore, it has been classified as a Variant of Uncertain Significance. Algorithms developed to predict the effect of missense changes on protein structure and function are either unavailable or do not agree on the potential impact of this missense change (SIFT: "Tolerated"; PolyPhen-2: "Probably Damaging"; Align-GVGD: "Class C0"). ClinVar contains an entry for this variant (Variation ID: 648837). This variant has not been reported in the literature in individuals affected with NEBL-related conditions. This sequence change replaces glycine, which is neutral and non-polar, with arginine, which is basic and polar, at codon 533 of the NEBL protein (p.Gly533Arg).